The following is an entry in ClinVar:

NM_001193315.2(VIPAS39):c.505-4C>A

Gene: VIPAS39 (VPS33B interacting protein, apical-basolateral polarity regulator, spe-39 homolog; minus strand). Cytogenetic location: 14q24.3.
Variant type: single nucleotide variant.
Coding change: c.505-4C>A on transcript NM_001193315.2 (MANE Select); 4 bases into the intron before coding-DNA position 505, C replaced by A.
Molecular consequence: intron variant.
Genome position (GRCh38, 1-based): chr14:77,444,345, G>T on the plus strand (C>A on the coding strand, the complement: VIPAS39 is on the minus strand). VCF-style: chr14-77444345-G-T. GRCh37 (hg19) VCF-style: chr14-77910688-G-T.
Other names: c.358-4C>A (NM_001193316.2); c.505-4C>A (NM_022067.4, NM_001193317.2, NM_001193314.2 and 1 more transcripts).
Identifiers: ClinVar variation 499519 (VCV000499519.6), dbSNP rs1555366702, ClinGen allele CA658798243.

ClinVar aggregate classification (germline): Conflicting classifications of pathogenicity. Review status: criteria provided, conflicting classifications (1 of 4 stars). 2 submissions from 2 submitters: Uncertain significance (1); Likely benign (1). Last evaluated 2026-07-28.

Conditions:
VIPAS39-related disorder. Also called: VIPAS39-related condition.

Submissions (2):

PreventionGenetics, part of Exact Sciences
Classification: Likely benign for VIPAS39-related condition. Last evaluated: 2026-07-28. Review status: criteria provided, single submitter. Criteria: ACMG Guidelines, 2015. Collection method: clinical testing. Allele origin: germline.
Comment: This variant is classified as likely benign based on ACMG/AMP sequence variant interpretation guidelines (Richards et al. 2015 PMID: 25741868, with internal and published modifications).

Eurofins Ntd Llc (ga)
Classification: Uncertain significance. Last evaluated: 2017-01-05. Review status: criteria provided, single submitter. Criteria: EGL Classification Definitions 2015. Collection method: clinical testing. Allele origin: germline. Observed: 1 variant allele, 1 heterozygote.